The following is an entry in ClinVar:

ClinVar aggregate classification (germline): Uncertain significance. Review status: criteria provided, multiple submitters, no conflicts (2 of 4 stars). 2 submissions from 2 submitters: Uncertain significance (2). Last evaluated 2023-06-02.

Conditions:
Inborn genetic diseases. Identifiers: MedGen C0950123, MeSH D030342.

Allele frequency attached by ClinVar (database versions not stated): gnomAD 0.00002; ExAC 0.00003; TOPMed 0.00003.
gnomAD v4.1: 16 of 1,614,018 alleles (0.00099%); highest among the groups gnomAD compares: African/African-American, 0.0013%; no homozygotes.

Submissions (2):

Ambry Genetics
Classification: Uncertain significance for Inborn genetic diseases. Last evaluated: 2023-06-02. Review status: criteria provided, single submitter. Criteria: Ambry Variant Classification Scheme 2023. Collection method: clinical testing. Allele origin: germline.

GeneDx
Classification: Uncertain significance. Last evaluated: 2022-02-23. Review status: criteria provided, single submitter. Criteria: GeneDx Variant Classification Process June 2021. Collection method: clinical testing. Allele origin: germline. Affected: yes.
Comment: Not observed at significant frequency in large population cohorts (gnomAD); In silico analysis supports that this missense variant does not alter protein structure/function; Has not been previously published as pathogenic or benign to our knowledge

NM_004230.4(S1PR2):c.229G>A (p.Ala77Thr)

Gene: S1PR2 (sphingosine-1-phosphate receptor 2; minus strand). Cytogenetic location: 19p13.2.
Variant type: single nucleotide variant.
Coding change: c.229G>A on transcript NM_004230.4 (MANE Select); coding-DNA position 229, G replaced by A.
Protein change: p.Ala77Thr; replaces alanine 77 with threonine.
Molecular consequence: missense variant.
Genome position (GRCh38, 1-based): chr19:10,224,677, C>T on the plus strand (G>A on the coding strand, the complement: S1PR2 is on the minus strand). VCF-style: chr19-10224677-C-T. GRCh37 (hg19) VCF-style: chr19-10335353-C-T.
Other names: short protein forms A77T.
Identifiers: ClinVar variation 1703407 (VCV001703407.4), dbSNP rs750224099, ClinGen allele CA9189131.